The following is an entry in ClinVar:

NM_004525.3(LRP2):c.10211A>G (p.Asp3404Gly)

Gene: LRP2 (LDL receptor related protein 2; minus strand). Cytogenetic location: 2q31.1.
Variant type: single nucleotide variant.
Coding change: c.10211A>G on transcript NM_004525.3 (MANE Select); coding-DNA position 10211, A replaced by G.
Protein change: p.Asp3404Gly; replaces aspartic acid 3404 with glycine.
Molecular consequence: missense variant.
Genome position (GRCh38, 1-based): chr2:169,177,985, T>C on the plus strand (A>G on the coding strand, the complement: LRP2 is on the minus strand). VCF-style: chr2-169177985-T-C. GRCh37 (hg19) VCF-style: chr2-170034495-T-C.
Other names: short protein forms D3404G.
Identifiers: ClinVar variation 1391434 (VCV001391434.4), dbSNP rs146669420, ClinGen allele CA349149599.
Genomic context (GRCh38, chr2:169,177,985, plus strand): 5'-TCTGTCCAATAAATAGTGTCTTCAAAAATGGTAATAGCGAAAGGGTGAGGCAGTGCCCCA[T>C]CATACACCGTGTGTCGATGGTGGCCCTCCAAATCAGAGTACCTGCAGCAGTAAGCAGAAA-3'
Protein context (NP_004516.2, residues 3394-3414): LEGHHRHTVY[Asp3404Gly]GALPHPFAIT

ClinVar aggregate classification (germline): Uncertain significance. Review status: criteria provided, multiple submitters, no conflicts (2 of 4 stars). 2 submissions from 2 submitters: Uncertain significance (2). Last evaluated 2021-11-02.

Conditions:
Donnai-Barrow syndrome. Also called: DBS/FOAR SYNDROME; FACIOOCULOACOUSTICORENAL SYNDROME. Identifiers: Orphanet 2143, MedGen C1857277, MONDO:0009104, OMIM 222448.

gnomAD v4.1: 6 of 1,613,996 alleles (0.00037%); highest among the groups gnomAD compares: Admixed American, 0.005%; no homozygotes.

Submissions (2):

Fulgent Genetics
Classification: Uncertain significance for Donnai-Barrow syndrome. Last evaluated: 2021-11-02. Review status: criteria provided, single submitter. Criteria: ACMG Guidelines, 2015. Collection method: clinical testing. Allele origin: unknown.

Labcorp Genetics (formerly Invitae), Labcorp
Classification: Uncertain significance. Last evaluated: 2021-09-15. Review status: criteria provided, single submitter. Criteria: Invitae Variant Classification Sherloc (09022015). Collection method: clinical testing. Allele origin: germline.
Comment: This sequence change replaces aspartic acid with glycine at codon 3404 of the LRP2 protein (p.Asp3404Gly). The aspartic acid residue is highly conserved and there is a moderate physicochemical difference between aspartic acid and glycine. This variant is not present in population databases (ExAC no frequency). This variant has not been reported in the literature in individuals affected with LRP2-related conditions. Advanced modeling of protein sequence and biophysical properties (such as structural, functional, and spatial information, amino acid conservation, physicochemical variation, residue mobility, and thermodynamic stability) performed at Invitae indicates that this missense variant is not expected to disrupt LRP2 protein function. Algorithms developed to predict the effect of sequence changes on RNA splicing suggest that this variant may create or strengthen a splice site. In summary, the available evidence is currently insufficient to determine the role of this variant in disease. Therefore, it has been classified as a Variant of Uncertain Significance.